The following is an entry in ClinVar:

ClinVar aggregate classification (germline): Uncertain significance (1 of 4 stars; one submission).

Submission:

Labcorp Genetics (formerly Invitae), Labcorp
Classification: Uncertain significance. Last evaluated: 2023-04-22. Review status: criteria provided, single submitter. Criteria: Invitae Variant Classification Sherloc (09022015). Collection method: clinical testing. Allele origin: unknown.
Comment: In summary, the available evidence is currently insufficient to determine the role of this variant in disease. Therefore, it has been classified as a Variant of Uncertain Significance. Experimental studies and prediction algorithms are not available or were not evaluated, and the functional significance of this variant is currently unknown. This variant has not been reported in the literature in individuals affected with KCNH1-related conditions. This variant results in the deletion of part of exon 6 of the KCNH1 gene. It is expected to disrupt RNA splicing. Variants that disrupt the donor or acceptor splice site typically lead to a loss of protein function (PMID: 16199547), however the current clinical and genetic evidence is not sufficient to establish whether loss-of-function variants in KCNH1 cause disease.

Literature cited by the submitters: PubMed 16199547.

NC_000001.10:g.(?_211186121)_(211192575_?)del

Gene: KCNH1 (potassium voltage-gated channel subfamily H member 1; minus strand). Cytogenetic location: 1q32.2.
Variant type: Deletion.
Identifiers: ClinVar variation 3248031 (VCV003248031.1).